The following is an entry in ClinVar:

NM_005477.3(HCN4):c.1938CAA[1] (p.Asn647del)

Gene: HCN4 (hyperpolarization activated cyclic nucleotide gated potassium channel 4; minus strand). Cytogenetic location: 15q24.1.
Variant type: Microsatellite.
Coding change: c.1938CAA[1] on transcript NM_005477.3 (MANE Select); one copy of the 3-base unit CAA starting at c.1938; the reference has two copies in a row; one copy, 3 bases deleted.
Protein change: p.Asn647del; deletes asparagine 647.
Molecular consequence: inframe deletion.
Genome position (GRCh38, 1-based): chr15:73,324,990-73,324,992, TTG deleted on the plus strand (CAA on the coding strand, the reverse complement: HCN4 is on the minus strand); deleting any 3 consecutive bases within chr15:73,324,990-73,324,995 gives the same sequence; the position shown is the placement nearest the transcript's 3' end. VCF-style (leftmost placement, unchanged base first): chr15-73324989-CTTG-C. GRCh37 (hg19) VCF-style: chr15-73617330-CTTG-C.
Other names: short protein forms N647del.
Identifiers: ClinVar variation 3609670 (VCV003609670.2).

ClinVar aggregate classification (germline): Uncertain significance (1 of 4 stars; one submission).

Conditions:
Brugada syndrome 8 (BRGDA8). Identifiers: Orphanet 130, MedGen C2751083, MONDO:0013148, OMIM 613123.

Submission:

Labcorp Genetics (formerly Invitae), Labcorp
Classification: Uncertain significance for Brugada syndrome 8. Last evaluated: 2024-05-01. Review status: criteria provided, single submitter. Criteria: Invitae Variant Classification Sherloc (09022015). Collection method: clinical testing. Allele origin: germline.
Comment: This variant, c.1941_1943del, results in the deletion of 1 amino acid(s) of the HCN4 protein (p.Asn647del), but otherwise preserves the integrity of the reading frame. This variant is not present in population databases (gnomAD no frequency). This variant has not been reported in the literature in individuals affected with HCN4-related conditions. Experimental studies and prediction algorithms are not available or were not evaluated, and the functional significance of this variant is currently unknown. In summary, the available evidence is currently insufficient to determine the role of this variant in disease. Therefore, it has been classified as a Variant of Uncertain Significance.